The following is an entry in ClinVar:

NM_001145026.2(PTPRQ):c.5775del (p.Phe1925fs)

Gene: PTPRQ (protein tyrosine phosphatase receptor type Q; plus strand). Cytogenetic location: 12q21.31.
Variant type: Deletion.
Coding change: c.5775del on transcript NM_001145026.2 (MANE Select); coding-DNA position 5775, one base deleted (T; older notation c.5775delT).
Protein change: p.Phe1925fs; shifts the reading frame from phenylalanine 1925.
Molecular consequence: frameshift variant.
Genome position (GRCh38, 1-based): chr12:80,632,280, T deleted; the last of 5 consecutive T bases (chr12:80,632,276-80,632,280); deleting any one gives the same sequence. VCF-style (leftmost placement, unchanged base first): chr12-80632275-AT-A. GRCh37 (hg19) VCF-style: chr12-81026054-AT-A.
Other names: short protein forms F1925fs.
Identifiers: ClinVar variation 3393554 (VCV003393554.1).

ClinVar aggregate classification (germline): Pathogenic (1 of 4 stars; one submission).

Submission:

GeneDx
Classification: Pathogenic. Last evaluated: 2024-07-02. Review status: criteria provided, single submitter. Criteria: GeneDx Variant Classification Process June 2021. Collection method: clinical testing. Allele origin: germline. Affected: yes.
Comment: Frameshift variant predicted to result in protein truncation or nonsense mediated decay in a gene for which loss of function is a known mechanism of disease; Not observed at significant frequency in large population cohorts (gnomAD); Has not been previously published as pathogenic or benign to our knowledge